The following is an entry in ClinVar:

NM_000516.7(GNAS):c.75G>A (p.Lys25=)

Gene: GNAS (GNAS complex locus; plus strand). Cytogenetic location: 20q13.32.
Variant type: single nucleotide variant.
Coding change: c.75G>A on transcript NM_000516.7 (MANE Select); coding-DNA position 75, G replaced by A.
Protein change: p.Lys25=; no amino-acid change (lysine 25 retained).
Molecular consequence: synonymous variant. On other transcripts: intron variant (6).
Genome position (GRCh38, 1-based): chr20:58,891,801, G>A. VCF-style: chr20-58891801-G-A. GRCh37 (hg19) VCF-style: chr20-57466856-G-A.
Other names: c.75G>A, p.Lys25= (NM_001077488.5, NM_001077489.4, NM_001309842.2 and 1 more transcripts); c.*43-3811G>A (NM_016592.5); c.-38-3811G>A (NM_001309861.2); c.*1-3811G>A (NM_001077490.3); c.2069-3811G>A (NM_080425.4); c.*159-3811G>A (NM_001309883.1); c.-39+2448G>A (NM_001309840.2).
Identifiers: ClinVar variation 715265 (VCV000715265.13), dbSNP rs1326256762, ClinGen allele CA636225077.

ClinVar aggregate classification (germline): Likely benign. Review status: criteria provided, multiple submitters, no conflicts (2 of 4 stars). 4 submissions from 4 submitters: Likely benign (3). 1 of the submissions does not count toward it. Last evaluated 2024-06-14.

Conditions:
GNAS-related disorder. Identifiers: MedGen CN380105.
Pseudohypoparathyroidism type 1B (PHP1B). Also called: Pseudohypoparathyroidism Type IB; Pseudohypoparathyroidism Ib (PHP-Ib); PHP IB. Identifiers: Orphanet 94089, MedGen C1864100, MONDO:0011301, OMIM 603233.
Pseudopseudohypoparathyroidism (PPHP). Also called: Pseudopseudohypoparathyroidism (PPHP); ALBRIGHT HEREDITARY OSTEODYSTROPHY WITHOUT MULTIPLE HORMONE RESISTANCE. Identifiers: Orphanet 79445, MedGen C0033835, MONDO:0012912, OMIM 612463.
Progressive osseous heteroplasia (POH). Also called: Osseus Heteroplasia, Progressive; ECTOPIC OSSIFICATION, FAMILIAL; Osteoma cutis; Progressive Osseus Heteroplasia (POH). Identifiers: Orphanet 2762, MedGen C0334041, MONDO:0008153, OMIM 166350, HP:0025027.
Pseudohypoparathyroidism type 1C (PHP1C). Also called: Pseudohypoparathyroidism Ic (PHP-Ic); PSEUDOHYPOPARATHYROIDISM, TYPE IC; PHP IC. Identifiers: Orphanet 79444, MedGen C2932716, MONDO:0012911, OMIM 612462.
Pituitary adenoma 3, multiple types. Also called: PITUITARY ADENOMA 3, ACTH-SECRETING, SOMATIC; PITUITARY ADENOMA 3, GROWTH HORMONE-SECRETING, SOMATIC. Identifiers: MedGen C4540135, MONDO:0054665, OMIM 617686.
ACTH-independent macronodular adrenal hyperplasia 1 (AIMAH1). Also called: ACTH-INDEPENDENT MACRONODULAR ADRENOCORTICAL HYPERPLASIA; ADRENOCORTICOTROPIC HORMONE-INDEPENDENT MACRONODULAR ADRENAL HYPERPLASIA; ACTH-independent macronodular adrenal hyperplasia, somatic; CORTICOTROPIN-INDEPENDENT MACRONODULAR ADRENAL HYPERPLASIA; CUSHING SYNDROME, ADRENAL, DUE TO AIMAH. Identifiers: MedGen C1857451, MONDO:0020735, OMIM 219080.
Pseudohypoparathyroidism type I A (PHP1A). Also called: ALBRIGHT HEREDITARY OSTEODYSTROPHY WITH MULTIPLE HORMONE RESISTANCE; Pseudohypoparathyroidism Type IA; Pseudohypoparathyroidism Ia (PHP-Ia); PHP IA; Pseudohypoparathyroidism type 1A. Identifiers: Orphanet 79443, MedGen C3494506, MONDO:0007078, OMIM 103580.
McCune-Albright syndrome (MAS). Also called: ALBRIGHT SYNDROME; Albright's Syndrome; Albright's disease; McCune-Albright syndrome, somatic, mosaic; Fibrous Dysplasia / McCune-Albright Syndrome. Identifiers: Orphanet 562, MedGen C0242292, MONDO:0018919, OMIM 174800.

Allele frequency attached by ClinVar (database versions not stated): TOPMed 0.00001; gnomAD exomes 0.00003.
gnomAD v4.1: 38 of 1,289,032 alleles (0.0029%); highest among the groups gnomAD compares: Non-Finnish European, 0.0037%; no homozygotes.

Submissions (4):

Blueprint Genetics
Classification: Likely benign. Last evaluated: 2024-06-14. Review status: criteria provided, single submitter. Criteria: ACMG Guidelines, 2015. Collection method: clinical testing. Allele origin: germline.

Labcorp Genetics (formerly Invitae), Labcorp
Classification: Likely benign. Last evaluated: 2024-03-29. Review status: criteria provided, single submitter. Criteria: Invitae Variant Classification Sherloc (09022015). Collection method: clinical testing. Allele origin: germline.

Fulgent Genetics
Classification: Likely benign for Pseudohypoparathyroidism type I A; Progressive osseous heteroplasia; McCune-Albright syndrome; ACTH-independent macronodular adrenal hyperplasia 1; Pseudohypoparathyroidism type 1B; Pseudohypoparathyroidism type 1C; Pseudopseudohypoparathyroidism; Pituitary adenoma 3, multiple types. Last evaluated: 2021-10-02. Review status: criteria provided, single submitter. Criteria: ACMG Guidelines, 2015. Collection method: clinical testing. Allele origin: unknown.

PreventionGenetics, part of Exact Sciences
Classification: Likely benign for GNAS-related condition. Last evaluated: 2020-08-14. Review status: no assertion criteria provided. Collection method: clinical testing. Allele origin: germline. Not counted in ClinVar's aggregate classification.
Comment: This variant is classified as likely benign based on ACMG/AMP sequence variant interpretation guidelines (Richards et al. 2015 PMID: 25741868, with internal and published modifications).